The following is an entry in ClinVar:

NM_017739.4(POMGNT1):c.1414-2_1414-1delinsTT

Genes: TSPAN1 (tetraspanin 1; plus strand), POMGNT1 (protein O-linked mannose N-acetylglucosaminyltransferase 1 (beta 1,2-); minus strand). Cytogenetic location: 1p34.1.
Variant type: Indel.
Coding change: c.1414-2_1414-1delinsTT on transcript NM_017739.4 (MANE Select); the canonical splice acceptor site of the intron before coding-DNA position 1414, AG replaced by TT.
Molecular consequence: splice acceptor variant.
Genome position (GRCh38, 1-based): chr1:46,192,224-46,192,225, CT replaced by AA on the plus strand (AG replaced by TT on the coding strand, the reverse complement: POMGNT1 is on the minus strand). VCF-style: chr1-46192224-CT-AA. GRCh37 (hg19) VCF-style: chr1-46657896-CT-AA.
Other names: c.1414-2_1414-1delinsTT (NM_001243766.2, NM_001438686.1, NM_001438688.1 and 3 more transcripts); c.1348-2_1348-1delinsTT (NM_001290129.3, NM_001438691.1, NM_001438692.1); c.985-2_985-1delinsTT (NM_001290130.2).
Identifiers: ClinVar variation 4815898 (VCV004815898.1).

ClinVar aggregate classification (germline): Likely pathogenic (1 of 4 stars; one submission).

Conditions:
Muscle eye brain disease (MEB). Also called: Santavuori congenital muscular dystrophy. Identifiers: Orphanet 588, Orphanet 899, MedGen C0457133, MONDO:0018939.

Submission:

Natera, Inc.
Classification: Likely pathogenic for Muscle-eye-brain disease. Last evaluated: 2024-09-14. Review status: criteria provided, single submitter. Criteria: Natera Variant Classification Schema (03/2026). Collection method: clinical testing. Allele origin: germline.
Comment: The c.1414-2_1414-1delinsTT variant in POMGNT1 is a canonical splice acceptor site variant predicted to affect pre-mRNA splicing, which may result in an abnormal transcript and altered protein product. This variant is expected to result in nonsense mediated decay, truncation, or a dysfunctional protein product. This variant is rare in the general population with a frequency below the threshold expected for the associated phenotype(s). Given the available evidence, this variant is classified as Likely Pathogenic.